The following is an entry in ClinVar:

ClinVar aggregate classification (germline): Uncertain significance (1 of 4 stars; one submission).

Conditions:
Hereditary cancer-predisposing syndrome. Also called: Neoplastic Syndromes, Hereditary; Tumor predisposition; Hereditary Cancer Syndrome; Hereditary neoplastic syndrome. Identifiers: Orphanet 140162, MedGen C0027672, MeSH D009386, MONDO:0015356.

Submission:

Ambry Genetics
Classification: Uncertain significance for Hereditary cancer-predisposing syndrome. Last evaluated: 2023-05-15. Review status: criteria provided, single submitter. Criteria: Ambry Variant Classification Scheme 2023. Collection method: clinical testing. Allele origin: germline.
Comment: The c.163_165delGAT variant (also known as p.D55del) is located in coding exon 2 of the FH gene. This variant results from an in-frame GAT deletion at nucleotide positions 163 to 165. This results in the in-frame deletion of an aspartic acid at codon 55. This amino acid position is highly conserved in available vertebrate species. In addition, this alteration is predicted to be deleterious by in silico analysis (Choi Y et al. PLoS ONE. 2012; 7(10):e46688). Since supporting evidence is limited at this time, the clinical significance of this alteration remains unclear.

NM_000143.4(FH):c.163_165del (p.Asp55del)

Gene: FH (fumarate hydratase; minus strand). Cytogenetic location: 1q43.
Variant type: Deletion.
Coding change: c.163_165del on transcript NM_000143.4 (MANE Select); coding-DNA positions 163 to 165, 3 bases deleted (GAT; older notation c.163_165delGAT).
Protein change: p.Asp55del; deletes aspartic acid 55.
Molecular consequence: inframe deletion. On other transcripts: inframe indel (1).
Genome position (GRCh38, 1-based): chr1:241,517,284-241,517,286, ATC deleted on the plus strand (GAT on the coding strand, the reverse complement: FH is on the minus strand); deleting any 3 consecutive bases within chr1:241,517,284-241,517,288 gives the same sequence; the c. name uses the placement nearest the transcript's 3' end. VCF-style (leftmost placement, unchanged base first): chr1-241517283-TATC-T. GRCh37 (hg19) VCF-style: chr1-241680583-TATC-T.
Other names: c.163_165delGAT (NM_000143.3); short protein forms D55del.
Identifiers: ClinVar variation 1776810 (VCV001776810.3), dbSNP rs2527340407, ClinGen allele CA2580063475.